The following is an entry in ClinVar:

NM_004565.3(PEX14):c.41G>A (p.Ser14Asn)

Gene: PEX14 (peroxisomal biogenesis factor 14; plus strand). Cytogenetic location: 1p36.22.
Variant type: single nucleotide variant.
Coding change: c.41G>A on transcript NM_004565.3 (MANE Select); coding-DNA position 41, G replaced by A.
Protein change: p.Ser14Asn; replaces serine 14 with asparagine.
Molecular consequence: missense variant.
Genome position (GRCh38, 1-based): chr1:10,495,278, G>A. VCF-style: chr1-10495278-G-A. GRCh37 (hg19) VCF-style: chr1-10555335-G-A.
Other names: c.41G>A (NM_004565.2); short protein forms S14N.
Identifiers: ClinVar variation 1345448 (VCV001345448.4), dbSNP rs1641538447, ClinGen allele CA338682865.

ClinVar aggregate classification (germline): Uncertain significance. Review status: criteria provided, multiple submitters, no conflicts (2 of 4 stars). 2 submissions from 2 submitters: Uncertain significance (2). Last evaluated 2025-09-22.

Conditions:
Peroxisome biogenesis disorder, complementation group K (CGK). Identifiers: MedGen C1866257, MONDO:0800365.
Inborn genetic diseases. Identifiers: MedGen C0950123, MeSH D030342.

Allele frequency attached by ClinVar (database versions not stated): gnomAD exomes 0.00001; TOPMed 0.00001; gnomAD 0.00001.

Submissions (2):

Ambry Genetics
Classification: Uncertain significance for Inborn genetic diseases. Last evaluated: 2025-09-22. Review status: criteria provided, single submitter. Criteria: Ambry Variant Classification Scheme 2023. Collection method: clinical testing. Allele origin: germline.

Labcorp Genetics (formerly Invitae), Labcorp
Classification: Uncertain significance for Peroxisome biogenesis disorder, complementation group K. Last evaluated: 2022-10-17. Review status: criteria provided, single submitter. Criteria: Invitae Variant Classification Sherloc (09022015). Collection method: clinical testing. Allele origin: germline.
Comment: This sequence change replaces serine, which is neutral and polar, with asparagine, which is neutral and polar, at codon 14 of the PEX14 protein (p.Ser14Asn). This variant is not present in population databases (gnomAD no frequency). This variant has not been reported in the literature in individuals affected with PEX14-related conditions. ClinVar contains an entry for this variant (Variation ID: 1345448). Algorithms developed to predict the effect of missense changes on protein structure and function output the following: SIFT: "Tolerated"; PolyPhen-2: "Not Available"; Align-GVGD: "Class C0". The asparagine amino acid residue is found in multiple mammalian species, which suggests that this missense change does not adversely affect protein function. In summary, the available evidence is currently insufficient to determine the role of this variant in disease. Therefore, it has been classified as a Variant of Uncertain Significance.